The following is an entry in ClinVar:

NM_001957.4(EDNRA):c.673G>A (p.Val225Ile)

Gene: EDNRA (endothelin receptor type A; plus strand). Cytogenetic location: 4q31.23.
Variant type: single nucleotide variant.
Coding change: c.673G>A on transcript NM_001957.4 (MANE Select); coding-DNA position 673, G replaced by A.
Protein change: p.Val225Ile; replaces valine 225 with isoleucine.
Molecular consequence: missense variant. On other transcripts: non-coding transcript variant (1), intron variant (1).
Genome position (GRCh38, 1-based): chr4:147,532,630, G>A. VCF-style: chr4-147532630-G-A. GRCh37 (hg19) VCF-style: chr4-148453782-G-A.
Other names: c.421-3247G>A (NM_001166055.2); short protein forms V225I.
Identifiers: ClinVar variation 1449022 (VCV001449022.8), dbSNP rs765457542, ClinGen allele CA3097924.

ClinVar aggregate classification (germline): Uncertain significance (1 of 4 stars; one submission).

Allele frequency attached by ClinVar (database versions not stated): gnomAD 0.00001; TOPMed 0.00001; ExAC 0.00002; gnomAD exomes 0.00002.
gnomAD v4.1: 34 of 1,613,882 alleles (0.0021%); highest among the groups gnomAD compares: East Asian, 0.013%; no homozygotes.

Submission:

Labcorp Genetics (formerly Invitae), Labcorp
Classification: Uncertain significance. Last evaluated: 2026-01-19. Review status: criteria provided, single submitter. Criteria: Invitae Variant Classification Sherloc (09022015). Collection method: clinical testing. Allele origin: germline.
Comment: This sequence change replaces valine, which is neutral and non-polar, with isoleucine, which is neutral and non-polar, at codon 225 of the EDNRA protein (p.Val225Ile). This variant is present in population databases (rs765457542, gnomAD 0.01%). This variant has not been reported in the literature in individuals affected with EDNRA-related conditions. ClinVar contains an entry for this variant (Variation ID: 1449022). Invitae Evidence Modeling of protein sequence and biophysical properties (such as structural, functional, and spatial information, amino acid conservation, physicochemical variation, residue mobility, and thermodynamic stability) indicates that this missense variant is not expected to disrupt EDNRA protein function with a negative predictive value of 80%. In summary, the available evidence is currently insufficient to determine the role of this variant in disease. Therefore, it has been classified as a Variant of Uncertain Significance.